The following is an entry in ClinVar:

NM_198253.3(TERT):c.2419G>T (p.Asp807Tyr)

Gene: TERT (telomerase reverse transcriptase; minus strand). Cytogenetic location: 5p15.33.
Variant type: single nucleotide variant.
Coding change: c.2419G>T on transcript NM_198253.3 (MANE Select); coding-DNA position 2419, G replaced by T.
Protein change: p.Asp807Tyr; replaces aspartic acid 807 with tyrosine.
Molecular consequence: missense variant.
Genome position (GRCh38, 1-based): chr5:1,271,168, C>A on the plus strand (G>T on the coding strand, the complement: TERT is on the minus strand). VCF-style: chr5-1271168-C-A. GRCh37 (hg19) VCF-style: chr5-1271283-C-A.
Other names: c.2419G>T, p.Asp807Tyr (NM_001193376.3); short protein forms D807Y.
Identifiers: ClinVar variation 4825589 (VCV004825589.1).

ClinVar aggregate classification (germline): Uncertain significance (1 of 4 stars; one submission).

Conditions:
Dyskeratosis congenita. Identifiers: Orphanet 1775, MedGen C0265965, MONDO:0015780.

Submission:

Ambry Genetics
Classification: Uncertain significance for Dyskeratosis congenita. Last evaluated: 2026-01-22. Review status: criteria provided, single submitter. Criteria: Ambry Variant Classification Scheme 2023. Collection method: clinical testing. Allele origin: germline.
Comment: The p.D807Y variant (also known as c.2419G>T), located in coding exon 8 of the TERT gene, results from a G to T substitution at nucleotide position 2419. The aspartic acid at codon 807 is replaced by tyrosine, an amino acid with highly dissimilar properties. This amino acid position is conserved. In addition, the in silico prediction for this alteration is inconclusive. Based on the available evidence, the clinical significance of this variant remains unclear.